The following is an entry in ClinVar:

NM_004004.6(GJB2):c.-16C>T

Gene: GJB2 (gap junction protein beta 2; minus strand). Cytogenetic location: 13q12.11.
Variant type: single nucleotide variant.
Coding change: c.-16C>T on transcript NM_004004.6 (MANE Select); 16 bases upstream of the start codon, C replaced by T.
Molecular consequence: 5 prime UTR variant.
Genome position (GRCh38, 1-based): chr13:20,189,597, G>A on the plus strand (C>T on the coding strand, the complement: GJB2 is on the minus strand). VCF-style: chr13-20189597-G-A. GRCh37 (hg19) VCF-style: chr13-20763736-G-A.
Identifiers: ClinVar variation 994863 (VCV000994863.5), dbSNP rs759745271, ClinGen allele CA6904344.

ClinVar aggregate classification (germline): Uncertain significance. Review status: criteria provided, multiple submitters, no conflicts (2 of 4 stars). 3 submissions from 3 submitters: Uncertain significance (2). 1 of the submissions does not count toward it. Last evaluated 2020-01-03.

Conditions:
Autosomal recessive nonsyndromic hearing loss 1A (DFNB1A). Also called: Nonsyndromic Hearing Loss and Deafness, DFNB1; Connexin 26 deafness; Deafness nonsyndromic, Connexin 26 linked; GJB2-Related Autosomal Recessive Nonsyndromic Hearing Loss; GJB6-Related DFNB 1 Nonsyndromic Hearing Loss and Deafness; Deafness, autosomal recessive 1A. Identifiers: Orphanet 90636, MedGen C2673759, MONDO:0009076, OMIM 220290.

Allele frequency attached by ClinVar (database versions not stated): TOPMed 0.00001.
gnomAD v4.1: 2 of 1,612,966 alleles (0.00012%); highest among the groups gnomAD compares: Admixed American, 0.0017%; no homozygotes.

Submissions (3):

Athena Diagnostics
Classification: Uncertain significance. Last evaluated: 2020-01-03. Review status: criteria provided, single submitter. Criteria: Athena Diagnostics Criteria. Collection method: clinical testing. Allele origin: unknown.

Baylor Genetics
Classification: Uncertain significance for Autosomal recessive nonsyndromic hearing loss 1A. Last evaluated: 2019-05-10. Review status: criteria provided, single submitter. Criteria: ACMG Guidelines, 2015. Collection method: clinical testing. Allele origin: paternal. Affected: yes.
Comment: This variant was determined to be of uncertain significance according to ACMG Guidelines, 2015 [PMID:25741868].

Natera, Inc.
Classification: Uncertain significance for Autosomal recessive deafness type 1A. Last evaluated: 2021-05-31. Review status: no assertion criteria provided. Collection method: clinical testing. Allele origin: germline. Not counted in ClinVar's aggregate classification.